The following is an entry in ClinVar:

ClinVar aggregate classification (germline): Uncertain significance (1 of 4 stars; one submission).

Conditions:
Neuropathy, hereditary sensory, type 2C. Also called: KIF1A-Related HSAN2 (HSAN2C); Hereditary sensory and autonomic neuropathy type IIC. Identifiers: Orphanet 970, MedGen C3280168, MONDO:0013634, OMIM 614213.
Intellectual disability, autosomal dominant 9 (NESCAVS). Also called: NESCAV SYNDROME; KIF1A-Related Neurodevelopmental Disorder. Identifiers: Orphanet 662367, MedGen C5393830, MONDO:0013656, OMIM 614255.
Hereditary spastic paraplegia 30. Identifiers: Orphanet 101010, MedGen C5235139, MONDO:0012476.

Submission:

Labcorp Genetics (formerly Invitae), Labcorp
Classification: Uncertain significance for Hereditary spastic paraplegia 30; Neuropathy, hereditary sensory, type 2C; Intellectual disability, autosomal dominant 9. Last evaluated: 2017-09-16. Review status: criteria provided, single submitter. Criteria: Invitae Variant Classification Sherloc (09022015). Collection method: clinical testing. Allele origin: germline.
Comment: This variant is not present in population databases (ExAC no frequency). This sequence change replaces asparagine with lysine at codon 318 of the KIF1A protein (p.Asn318Lys). The asparagine residue is highly conserved and there is a moderate physicochemical difference between asparagine and lysine. This variant has not been reported in the literature in individuals with a KIF1A-related disease. In summary, this variant has uncertain impact on KIF1A function. The available evidence is currently insufficient to determine its role in disease. Therefore, it has been classified as a Variant of Uncertain Significance. Algorithms developed to predict the effect of missense changes on protein structure and function do not agree on the potential impact of this missense change (SIFT: "Deleterious"; PolyPhen-2: "Probably Damaging"; Align-GVGD: "Class C0").

NM_001244008.2(KIF1A):c.954C>A (p.Asn318Lys)

Gene: KIF1A (kinesin family member 1A; minus strand). Cytogenetic location: 2q37.3.
Variant type: single nucleotide variant.
Coding change: c.954C>A on transcript NM_001244008.2 (MANE Select); coding-DNA position 954, C replaced by A.
Protein change: p.Asn318Lys; replaces asparagine 318 with lysine.
Molecular consequence: missense variant.
Genome position (GRCh38, 1-based): chr2:240,775,855, G>T on the plus strand (C>A on the coding strand, the complement: KIF1A is on the minus strand). VCF-style: chr2-240775855-G-T. GRCh37 (hg19) VCF-style: chr2-241715272-G-T.
Other names: c.954C>A, p.Asn318Lys (NM_001320705.2, NM_001330289.2, NM_001330290.2 and 20 more transcripts); short protein forms N318K.
Identifiers: ClinVar variation 532867 (VCV000532867.9), dbSNP rs1553635953, ClinGen allele CA351297569.
Genomic context (GRCh38, chr2:240,775,855, plus strand): 5'-GCACAGCCCAGGGTGGGATCAGAGCCCTGGGGACAGGCAAACCCACAAGTTCTCACCCAG[G>T]TTTTCCCGGAGGAGCCAGGTCAACACGGAATCTCGGTACGGAATGAAATCTGTCTTCTTC-3'
Protein context (NP_001230937.1, residues 308-328): DSVLTWLLRE[Asn318Lys]LGGNSRTAMV